The following is an entry in ClinVar:

ClinVar aggregate classification (germline): Uncertain significance. Review status: criteria provided, multiple submitters, no conflicts (2 of 4 stars). 4 submissions from 4 submitters: Uncertain significance (4). Last evaluated 2025-07-23.

Conditions:
COACH syndrome 2. Identifiers: MedGen C5436837, MONDO:0030859, OMIM 619111.
Meckel syndrome, type 6. Identifiers: Orphanet 564, MedGen C2676790, MONDO:0012848, OMIM 612284.
Joubert syndrome 9 (JBTS9). Identifiers: Orphanet 2318, MedGen C2676788, MONDO:0012849, OMIM 612285.
Retinitis pigmentosa 93. Identifiers: MedGen C5676970, MONDO:0030797, OMIM 619845.
Inborn genetic diseases. Identifiers: MedGen C0950123, MeSH D030342.
CC2D2A-related disorder. Also called: CC2D2A-related disorders; CC2D2A-related condition. Identifiers: MedGen CN239313.
Joubert syndrome. Also called: JOUBERT-BOLTSHAUSER SYNDROME; Familial aplasia of the vermis. Identifiers: Orphanet 475, MedGen C5979921, MONDO:0018772.
Meckel-Gruber syndrome. Also called: DYSENCEPHALIA SPLANCHNOCYSTICA; GRUBER SYNDROME; Dysencephalia splachnocystica. Identifiers: Orphanet 564, MedGen C0265215, MONDO:0018921.

Allele frequency attached by ClinVar (database versions not stated): gnomAD 0.00001; TOPMed 0.00002; ExAC 0.00003; gnomAD exomes 0.00003; ESP Exome Variant Server 0.00008.
gnomAD v4.1: 40 of 1,558,762 alleles (0.0026%); highest among the groups gnomAD compares: Non-Finnish European, 0.0031%; no homozygotes.

Submissions (4):

PreventionGenetics, part of Exact Sciences
Classification: Uncertain significance for CC2D2A-related condition. Last evaluated: 2025-07-23. Review status: criteria provided, single submitter. Criteria: ACMG Guidelines, 2015. Collection method: clinical testing. Allele origin: germline.
Comment: The CC2D2A c.3485A>C variant is predicted to result in the amino acid substitution p.Asp1162Ala. To our knowledge, this variant has not been reported in the literature. This variant is reported in 0.0039% of alleles in individuals of European (Non-Finnish) descent in gnomAD. At this time, the clinical significance of this variant is uncertain due to the absence of conclusive functional and genetic evidence.

Fulgent Genetics
Classification: Uncertain significance for Meckel syndrome, type 6; Joubert syndrome 9; COACH syndrome 2; Retinitis pigmentosa 93. Last evaluated: 2024-03-18. Review status: criteria provided, single submitter. Criteria: ACMG Guidelines, 2015. Collection method: clinical testing. Allele origin: germline.

Labcorp Genetics (formerly Invitae), Labcorp
Classification: Uncertain significance for Joubert syndrome; Meckel-Gruber syndrome. Last evaluated: 2022-07-15. Review status: criteria provided, single submitter. Criteria: Invitae Variant Classification Sherloc (09022015). Collection method: clinical testing. Allele origin: germline.
Comment: This sequence change replaces aspartic acid, which is acidic and polar, with alanine, which is neutral and non-polar, at codon 1162 of the CC2D2A protein (p.Asp1162Ala). This variant is present in population databases (rs370866477, gnomAD 0.004%). This variant has not been reported in the literature in individuals affected with CC2D2A-related conditions. Advanced modeling of protein sequence and biophysical properties (such as structural, functional, and spatial information, amino acid conservation, physicochemical variation, residue mobility, and thermodynamic stability) performed at Invitae indicates that this missense variant is expected to disrupt CC2D2A protein function. In summary, the available evidence is currently insufficient to determine the role of this variant in disease. Therefore, it has been classified as a Variant of Uncertain Significance.

Ambry Genetics
Classification: Uncertain significance for Inborn genetic diseases. Last evaluated: 2021-01-21. Review status: criteria provided, single submitter. Criteria: Ambry Variant Classification Scheme 2023. Collection method: clinical testing. Allele origin: germline.

NM_001378615.1(CC2D2A):c.3485A>C (p.Asp1162Ala)

Genes: CC2D2A (coiled-coil and C2 domain containing 2A; plus strand), FBXL5 (F-box and leucine rich repeat protein 5; minus strand). Cytogenetic location: 4p15.32.
Variant type: single nucleotide variant.
Coding change: c.3485A>C on transcript NM_001378615.1 (MANE Select); coding-DNA position 3485, A replaced by C.
Protein change: p.Asp1162Ala; replaces aspartic acid 1162 with alanine.
Molecular consequence: missense variant.
Genome position (GRCh38, 1-based): chr4:15,569,379, A>C. VCF-style: chr4-15569379-A-C. GRCh37 (hg19) VCF-style: chr4-15571002-A-C.
Other names: c.3485A>C, p.Asp1162Ala (NM_001080522.2); c.3338A>C, p.Asp1113Ala (NM_001378617.1); short protein forms D1162A, D1113A.
Identifiers: ClinVar variation 2185147 (VCV002185147.4), dbSNP rs370866477, ClinGen allele CA2864177.